The following is an entry in ClinVar:

ClinVar aggregate classification (germline): Pathogenic (1 of 4 stars; one submission).

Submission:

Labcorp Genetics (formerly Invitae), Labcorp
Classification: Pathogenic. Last evaluated: 2023-10-14. Review status: criteria provided, single submitter. Criteria: Invitae Variant Classification Sherloc (09022015). Collection method: clinical testing. Allele origin: germline.
Comment: This sequence change creates a premature translational stop signal (p.Thr725Lysfs*12) in the TTC37 gene. It is expected to result in an absent or disrupted protein product. Loss-of-function variants in TTC37 are known to be pathogenic (PMID: 20176027, 21120949). This variant is not present in population databases (gnomAD no frequency). This variant has not been reported in the literature in individuals affected with TTC37-related conditions. For these reasons, this variant has been classified as Pathogenic.

Literature cited by the submitters: PubMed 20176027; PubMed 21120949.

NM_014639.4(SKIC3):c.2173_2174insAA (p.Thr725fs)

Gene: SKIC3 (SKI3 subunit of superkiller complex; minus strand). Cytogenetic location: 5q15.
Variant type: Insertion.
Coding change: c.2173_2174insAA on transcript NM_014639.4 (MANE Select); coding-DNA positions 2173 to 2174, AA inserted.
Protein change: p.Thr725fs; shifts the reading frame from threonine 725.
Molecular consequence: frameshift variant.
Genome position: GRCh38 VCF-style: chr5-95517263-G-GTT. GRCh37 (hg19) VCF-style: chr5-94852967-G-GTT.
Other names: short protein forms T725fs.
Identifiers: ClinVar variation 2768368 (VCV002768368.3), dbSNP rs2530755774, ClinGen allele CA2697546348.
Genomic context (GRCh38, chr5:95,517,263, plus strand): 5'-CCTAGAAGGACTCCTAAAACATGAACATTCACTTTAGATGGTGCGACAGCATACAGACAG[G>GTT]TACAAGCATCCCCAGCTAGCTTCCAGAGGCAGGACACATCAGCTCGATGCTGTAGAGCAC-3'